The following is an entry in ClinVar:

NM_001270.4(CHD1):c.572G>C (p.Arg191Thr)

Gene: CHD1 (chromodomain helicase DNA binding protein 1; minus strand). Cytogenetic location: 5q21.1.
Variant type: single nucleotide variant.
Coding change: c.572G>C on transcript NM_001270.4 (MANE Select); coding-DNA position 572, G replaced by C.
Protein change: p.Arg191Thr; replaces arginine 191 with threonine.
Molecular consequence: missense variant. On other transcripts: non-coding transcript variant (2).
Genome position (GRCh38, 1-based): chr5:98,901,201, C>G on the plus strand (G>C on the coding strand, the complement: CHD1 is on the minus strand). VCF-style: chr5-98901201-C-G. GRCh37 (hg19) VCF-style: chr5-98236905-C-G.
Other names: c.572G>C, p.Arg191Thr (NM_001364113.3, NM_001376194.2); short protein forms R191T.
Identifiers: ClinVar variation 2655620 (VCV002655620.24), dbSNP rs61756299, ClinGen allele CA3356548.

ClinVar aggregate classification (germline): Benign (1 of 4 stars; one submission).

Allele frequency attached by ClinVar (database versions not stated): TOPMed 0.00012; 1000 Genomes Project 30x 0.00047; gnomAD exomes 0.00054; 1000 Genomes Project 0.00060; gnomAD 0.00086; ExAC 0.00142.

Submission:

CeGaT Center for Human Genetics Tuebingen
Classification: Benign. Last evaluated: 2022-05-01. Review status: criteria provided, single submitter. Criteria: CeGaT Center For Human Genetics Tuebingen Variant Classification Criteria Version 2. Collection method: clinical testing. Allele origin: germline. Affected: yes. Observed: 1 variant allele.
Comment: CHD1: BS1, BS2